The following is an entry in ClinVar:

ClinVar aggregate classification (germline): Uncertain significance. Review status: criteria provided, multiple submitters, no conflicts (2 of 4 stars). 7 submissions from 7 submitters: Uncertain significance (6). 1 of the submissions does not count toward it. Last evaluated 2025-12-17.

Conditions:
Hereditary cancer-predisposing syndrome. Also called: Tumor predisposition; Hereditary Cancer Syndrome; Neoplastic Syndromes, Hereditary; Hereditary neoplastic syndrome. Identifiers: Orphanet 140162, MedGen C0027672, MeSH D009386, MONDO:0015356.
Hereditary breast ovarian cancer syndrome. Also called: Hereditary breast and ovarian cancer; Hereditary breast and/or ovarian cancer syndrome; BRCA1- and BRCA2-Associated Hereditary Breast and Ovarian Cancer; Hereditary breast and ovarian cancer syndrome; Hereditary breast and ovarian cancer syndrome (HBOC); Breast and ovarian cancer. Identifiers: Orphanet 145, MedGen C0677776, MeSH D061325, MONDO:0003582. Disease mechanism: loss of function.
Breast-ovarian cancer, familial, susceptibility to, 2 (BROVCA2). Also called: BRCA2 Hereditary Breast and Ovarian Cancer. Identifiers: Orphanet 145, MedGen C2675520, MONDO:0012933, OMIM 612555. Disease mechanism: loss of function.
Familial cancer of breast. Also called: BREAST CANCER, FAMILIAL; Hereditary breast cancer; hereditary breast carcinoma. Identifiers: Orphanet 227535, MedGen C0346153, MONDO:0016419, OMIM 114480. Disease mechanism: loss of function.

gnomAD v4.1: 1 of 1,613,268 alleles (0.000062%); highest among the groups gnomAD compares: Middle Eastern, 0.017%; no homozygotes.

Submissions (7):

Labcorp Genetics (formerly Invitae), Labcorp
Classification: Uncertain significance for Hereditary breast ovarian cancer syndrome. Last evaluated: 2025-12-17. Review status: criteria provided, single submitter. Criteria: Invitae Variant Classification Sherloc (09022015). Collection method: clinical testing. Allele origin: germline.
Comment: This sequence change replaces proline, which is neutral and non-polar, with alanine, which is neutral and non-polar, at codon 168 of the BRCA2 protein (p.Pro168Ala). This variant is not present in population databases (gnomAD no frequency). This missense change has been observed in individual(s) with breast cancer (PMID: 29409476, 34290354, 35402282). ClinVar contains an entry for this variant (Variation ID: 126130). Invitae Evidence Modeling of protein sequence and biophysical properties (such as structural, functional, and spatial information, amino acid conservation, physicochemical variation, residue mobility, and thermodynamic stability) indicates that this missense variant is not expected to disrupt BRCA2 protein function with a negative predictive value of 95%. In summary, the available evidence is currently insufficient to determine the role of this variant in disease. Therefore, it has been classified as a Variant of Uncertain Significance.

Color Diagnostics, LLC DBA Color Health
Classification: Uncertain significance for Hereditary cancer-predisposing syndrome. Last evaluated: 2024-11-13. Review status: criteria provided, single submitter. Criteria: ACMG Guidelines, 2015. Collection method: clinical testing. Allele origin: germline.
Comment: This missense variant replaces proline with alanine at codon 168 of the BRCA2 protein. Computational prediction suggests that this variant may not impact protein structure and function. To our knowledge, functional studies have not been reported for this variant. This variant has been reported in two individuals affected with breast cancer (PMID: 29409476, 35402282), and this variant has been reported in multifactorial analysis with a combined likelihood ratio for pathogenicity of 0.5041 based on co-occurrence with a pathogenic variant and family history (PMID: 31131967). This variant has not been identified in the general population by the Genome Aggregation Database (gnomAD). The available evidence is insufficient to determine the role of this variant in disease conclusively. Therefore, this variant is classified as a Variant of Uncertain Significance.

Ambry Genetics
Classification: Uncertain significance for Hereditary cancer-predisposing syndrome. Last evaluated: 2024-02-22. Review status: criteria provided, single submitter. Criteria: Ambry Variant Classification Scheme 2023. Collection method: clinical testing. Allele origin: germline.
Comment: The p.P168A variant (also known as c.502C>G), located in coding exon 5 of the BRCA2 gene, results from a C to G substitution at nucleotide position 502. The proline at codon 168 is replaced by alanine, an amino acid with highly similar properties. This alteration was identified in 1/278 individuals from a cohort BRCA1/2-negative individuals with early-onset breast cancer via multiplex panel testing of 22 cancer susceptibility genes (Maxwell KN et al. Genet Med, 2015 Aug;17:630-8), and was also detected in 1/100 Jordanian breast cancer patients (Abdel-Razeq H et al. BMC Cancer, 2018 Feb;18:152). This amino acid position is highly conserved in available vertebrate species. In addition, this alteration is predicted to be tolerated by in silico analysis. Based on the available evidence, the clinical significance of this alteration remains unclear.

Women's Health and Genetics/Laboratory Corporation of America, LabCorp
Classification: Uncertain significance. Last evaluated: 2023-11-07. Review status: criteria provided, single submitter. Criteria: LabCorp Variant Classification Summary - May 2015. Collection method: clinical testing. Allele origin: germline.
Comment: Variant summary: BRCA2 c.502C>G (p.Pro168Ala) results in a non-conservative amino acid change in the encoded protein sequence. Four of five in-silico tools predict a damaging effect of the variant on protein function. The variant allele was found at a frequency of 3.7e-06 in 273952 control chromosomes. The available data on variant occurrences in the general population are insufficient to allow any conclusion about variant significance. c.502C>G has been reported in the literature in individuals affected with breast cancer, without strong evidence for causality (e.g. Abdel-Razeq_2018, Abdel-Razeq_2021). These reports do not provide unequivocal conclusions about association of the variant with Hereditary Breast And Ovarian Cancer Syndrome. To our knowledge, no experimental evidence demonstrating an impact on protein function has been reported. The following publications have been ascertained in the context of this evaluation (PMID: 29409476, 35402282, 34290354, 32467295). Three submitters have cited clinical-significance assessments for this variant to ClinVar after 2014. All submitters classified the variant as uncertain significance. Based on the evidence outlined above, the variant was classified as uncertain significance.

Baylor Genetics
Classification: Uncertain significance for Familial cancer of breast. Last evaluated: 2023-10-16. Review status: criteria provided, single submitter. Criteria: ACMG Guidelines, 2015. Collection method: clinical testing. Allele origin: unknown.

Quest Diagnostics Nichols Institute San Juan Capistrano
Classification: Uncertain significance. Last evaluated: 2016-08-05. Review status: criteria provided, single submitter. Criteria: Quest Diagnostics criteria. Collection method: clinical testing. Allele origin: germline.

Breast Cancer Information Core (BIC) (BRCA2)
Classification: Uncertain significance for Breast-ovarian cancer, familial 2. Last evaluated: 2004-02-20. Review status: no assertion criteria provided. Collection method: clinical testing. Allele origin: germline. Affected: yes. Observed: 1 variant allele. Not counted in ClinVar's aggregate classification.

Literature cited by the submitters: PubMed 29409476 (cited by 4 submitters); PubMed 34290354 (cited by Labcorp Genetics (formerly Invitae), Labcorp and Women's Health and Genetics/Laboratory Corporation of America, LabCorp); PubMed 35402282 (cited by 3 submitters); PubMed 31131967 (cited by Color Diagnostics, LLC DBA Color Health); PubMed 25503501 (cited by Ambry Genetics); PubMed 32467295 (cited by Women's Health and Genetics/Laboratory Corporation of America, LabCorp); PubMed 17899372 (cited by Quest Diagnostics Nichols Institute San Juan Capistrano).

NM_000059.4(BRCA2):c.502C>G (p.Pro168Ala)

Gene: BRCA2 (BRCA2 DNA repair associated; plus strand). Cytogenetic location: 13q13.1.
Variant type: single nucleotide variant.
Coding change: c.502C>G on transcript NM_000059.4 (MANE Select); coding-DNA position 502, C replaced by G.
Protein change: p.Pro168Ala; replaces proline 168 with alanine.
Molecular consequence: missense variant.
Genome position (GRCh38, 1-based): chr13:32,326,268, C>G. VCF-style: chr13-32326268-C-G. GRCh37 (hg19) VCF-style: chr13-32900405-C-G.
Other names: short protein forms P168A.
Identifiers: ClinVar variation 126130 (VCV000126130.17), dbSNP rs80358726, ClinGen allele CA021155.